The following continues an entry in ClinVar:

NM_004064.5(CDKN1B):c.356T>C (p.Ile119Thr)

Gene: CDKN1B. ClinVar aggregate classification (germline): Conflicting classifications of pathogenicity. Uncertain significance (5); Benign (1); Likely benign (8).

Submissions 13 to 16 of 16:

Baylor Genetics
Classification: Uncertain significance for Multiple endocrine neoplasia type 4. Last evaluated: 2018-11-08. Review status: criteria provided, single submitter. Criteria: ACMG Guidelines, 2015. Collection method: clinical testing. Allele origin: paternal. Affected: yes. Study: CSER-TexasKidsCanSeq.
Comment: This variant was determined to be of uncertain significance according to ACMG Guidelines, 2015 [PMID:25741868]. This variant has been previously reported as disease-causing [PMID 15607373, 21575944, 22291433]

Illumina Laboratory Services, Illumina
Classification: Likely benign for Multiple endocrine neoplasia type 4. Last evaluated: 2017-04-27. Review status: criteria provided, single submitter. Criteria: ICSL Variant Classification Criteria 13 December 2019. Collection method: clinical testing. Allele origin: germline.
Comment: This variant was observed as part of a predisposition screen in an ostensibly healthy population. A literature search was performed for the gene, cDNA change, and amino acid change (where applicable). Publications were found based on this search. The evidence from the literature, in combination with allele frequency data from public databases where available, was sufficient to determine this variant is unlikely to cause disease. Therefore, this variant is classified as likely benign.

PreventionGenetics, part of Exact Sciences
Classification: Likely benign for CDKN1B-related condition. Last evaluated: 2022-03-16. Review status: no assertion criteria provided. Collection method: clinical testing. Allele origin: germline. Not counted in ClinVar's aggregate classification.
Comment: This variant is classified as likely benign based on ACMG/AMP sequence variant interpretation guidelines (Richards et al. 2015 PMID: 25741868, with internal and published modifications).

Department of Pathology and Laboratory Medicine, Sinai Health System
Classification: Likely benign. Review status: no assertion criteria provided. Collection method: clinical testing. Allele origin: unknown. Affected: yes. Study: The Canadian Open Genetics Repository (COGR). Not counted in ClinVar's aggregate classification.
Comment: The CDKN1B p.Ile119Thr variant was identified in four individuals with varying phenotypes including prostate cancer, somatotropinoma, premature ovarian failure, and myeloproliferative syndrome (Chang_2004_PMID: 15026335; Tichomirowa_2012_PMID: 22291433; Ojeda_2011_PMID: 21575944; Pappa_2004_PMID: 15607373). Furthermore, this variant was also found in one heterozygous control (Tichomirowa_2012_PMID: 22291433). The variant was identified in dbSNP (ID: rs142833529) and ClinVar (classified as likely benign by Invitae and Illumina, and as uncertain significance by Ambry Genetics). The variant was not identified in the Cosmic database. The variant was identified in control databases in 143 of 265372 chromosomes at a frequency of 0.0005389 increasing the likelihood this could be a low frequency benign variant (Genome Aggregation Database March 6, 2019, v2.1.1, non-cancer). The variant was observed in the following populations: Latino in 39 of 34986 chromosomes (freq: 0.001115), European (non-Finnish) in 94 of 116912 chromosomes (freq: 0.000804), Other in 4 of 6658 chromosomes (freq: 0.000601), European (Finnish) in 3 of 24810 chromosomes (freq: 0.000121), African in 2 of 22624 chromosomes (freq: 0.000088) and East Asian in 1 of 19096 chromosomes (freq: 0.000052), but was not observed in the Ashkenazi Jewish or South Asian populations. The p.Ile119 residue is not conserved in mammals and computational analyses (PolyPhen-2, SIFT, AlignGVGD, BLOSUM, MutationTaster) do not suggest a high likelihood of impact to the protein; however, this information is not predictive enough to rule out pathogenicity. The variant occurs outside of the splicing consensus sequence and in silico or computational prediction software programs (SpliceSiteFinder, MaxEntScan, NNSPLICE, GeneSplicer) do not predict a difference in splicing. In summary, based on the above information the clinical significance of this variant cannot be determined with certainty at this time although we would lean towards a more benign role for this variant. This variant is classified as likely benign.

Literature cited by the submitters: PubMed 32232325 (cited by Quest Diagnostics Nichols Institute San Juan Capistrano and Ambry Genetics); PubMed 29954938 (cited by Quest Diagnostics Nichols Institute San Juan Capistrano); PubMed 2694462 (cited by Quest Diagnostics Nichols Institute San Juan Capistrano); PubMed 22291433 (cited by 4 submitters); PubMed 21575944 (cited by 4 submitters); PubMed 18288099 (cited by Quest Diagnostics Nichols Institute San Juan Capistrano); PubMed 15607373 (cited by 4 submitters); PubMed 15026335 (cited by Quest Diagnostics Nichols Institute San Juan Capistrano and Ambry Genetics); PubMed 34313605 (cited by Quest Diagnostics Nichols Institute San Juan Capistrano); PubMed 36149413 (cited by Quest Diagnostics Nichols Institute San Juan Capistrano); PubMed 35355569 (cited by Quest Diagnostics Nichols Institute San Juan Capistrano); PubMed 34426522 (cited by Quest Diagnostics Nichols Institute San Juan Capistrano and Ambry Genetics); PubMed 30065701 (cited by Ambry Genetics).